The following is an entry in ClinVar:

NM_201384.3(PLEC):c.1247_1263+1dup

Genes: PLEC (plectin; minus strand), LOC130001334 (ATAC-STARR-seq lymphoblastoid silent region 19628; plus strand). Cytogenetic location: 8q24.3.
Variant type: Duplication.
Coding change: c.1247_1263+1dup on transcript NM_201384.3 (MANE Select); coding-DNA position 1247 through the canonical splice donor site of the intron after coding-DNA position 1263, 18 bases duplicated (ACGCCCTGCTGCAGTCGG).
Molecular consequence: splice donor variant.
Genome position (GRCh38, 1-based): chr8:143,933,997-143,934,014, CCGACTGCAGCAGGGCGT duplicated on the plus strand (ACGCCCTGCTGCAGTCGG on the coding strand, the reverse complement: PLEC is on the minus strand); duplicating any 18 consecutive bases within chr8:143,933,997-143,934,015 gives the same sequence; the c. name uses the placement nearest the transcript's 3' end. VCF-style (leftmost placement, unchanged base first): chr8-143933996-A-ACCGACTGCAGCAGGGCGT. GRCh37 (hg19) VCF-style: chr8-145008164-A-ACCGACTGCAGCAGGGCGT.
Other names: c.1328_1344+1dup (NM_001410941.1, NM_000445.5); c.1205_1221+1dup (NM_201378.4); c.1181_1197+1dup (NM_201379.3); c.1658_1674+1dup (NM_201380.4); c.1151_1167+1dup (NM_201381.3); c.1247_1263+1dup (NM_201382.4); c.1259_1275+1dup (NM_201383.3).
Identifiers: ClinVar variation 3757916 (VCV003757916.2).

ClinVar aggregate classification (germline): Uncertain significance (1 of 4 stars; one submission).

Conditions:
Epidermolysis bullosa simplex with nail dystrophy (EBS5D). Identifiers: MedGen C4225309, MONDO:0014661, OMIM 616487.
Epidermolysis bullosa simplex, Ogna type (EBS5A). Also called: Pidermolysis bullosa simplex 5A, Ogna type; EPIDERMOLYSIS BULLOSA SIMPLEX 5A, OGNA TYPE. Identifiers: Orphanet 79401, MedGen C0432317, MONDO:0007555, OMIM 131950.
Autosomal recessive limb-girdle muscular dystrophy type 2Q (LGMDR17). Also called: MUSCULAR DYSTROPHY, LIMB-GIRDLE, AUTOSOMAL RECESSIVE 17. Identifiers: Orphanet 254361, MedGen C3150989, MONDO:0013390, OMIM 613723.
Epidermolysis bullosa simplex 5B, with muscular dystrophy (EBS5B). Also called: EPIDERMOLYSIS BULLOSA SIMPLEX AND LIMB-GIRDLE MUSCULAR DYSTROPHY; Epidermolysis bullosa simplex with muscular dystrophy. Identifiers: Orphanet 257, MedGen C2931072, MONDO:0009181, OMIM 226670.
Epidermolysis bullosa simplex 5C, with pyloric atresia (EBS5C). Also called: PLEC-Related Epidermolysis Bullosa with Pyloric Atresia; Epidermolysis bullosa simplex with pyloric atresia; PLEC1-Related Epidermolysis Bullosa with Pyloric Atresia. Identifiers: Orphanet 158684, MedGen C2677349, MONDO:0012807, OMIM 612138.

Submission:

Labcorp Genetics (formerly Invitae), Labcorp
Classification: Uncertain significance for Autosomal recessive limb-girdle muscular dystrophy type 2Q; Epidermolysis bullosa simplex, Ogna type; Epidermolysis bullosa simplex with nail dystrophy; Epidermolysis bullosa simplex 5C, with pyloric atresia; Epidermolysis bullosa simplex 5B, with muscular dystrophy. Last evaluated: 2024-08-31. Review status: criteria provided, single submitter. Criteria: Invitae Variant Classification Sherloc (09022015). Collection method: clinical testing. Allele origin: germline.
Comment: This variant, c.1328_1344+1dup, results in the insertion of 6 amino acid(s) of the PLEC protein (p.Ala444_Asp449dup), but otherwise preserves the integrity of the reading frame. This variant is not present in population databases (gnomAD no frequency). This variant has not been reported in the literature in individuals affected with PLEC-related conditions. Experimental studies and prediction algorithms are not available or were not evaluated, and the functional significance of this variant is currently unknown. In summary, the available evidence is currently insufficient to determine the role of this variant in disease. Therefore, it has been classified as a Variant of Uncertain Significance.